The following is an entry in ClinVar:

NM_001457.4(FLNB):c.2772del (p.Thr923_Tyr924insTer)

Gene: FLNB (filamin B; plus strand). Cytogenetic location: 3p14.3.
Variant type: Deletion.
Coding change: c.2772del on transcript NM_001457.4 (MANE Select); coding-DNA position 2772, one base deleted (C; older notation c.2772delC).
Protein change: p.Thr923_Tyr924insTer.
Molecular consequence: nonsense.
Genome position (GRCh38, 1-based): chr3:58,118,898, C deleted. VCF-style (leftmost placement, unchanged base first): chr3-58118897-AC-A. GRCh37 (hg19) VCF-style: chr3-58104624-AC-A.
Other names: c.2772del, p.Thr923_Tyr924insTer (NM_001164317.2, NM_001164318.2, NM_001164319.2).
Identifiers: ClinVar variation 2502318 (VCV002502318.1), dbSNP rs2471110676, ClinGen allele CA2580616491.
Genomic context (GRCh38, chr3:58,118,897, plus strand): 5'-CCCAAAGGTAAACTGAGTTTTCTCTCTTGTTCCAGGGCAACATGCAGGTTCTGGTGACTT[AC>A]GGTGGCGATCCCATCCCTAAAAGCCCTTTCACTGTGGGTGTTGCTGCACCGCTGGATCTG-3'

ClinVar aggregate classification (germline): Likely pathogenic (1 of 4 stars; one submission).

Conditions:
Spondylocarpotarsal synostosis syndrome (SCT). Also called: SPONDYLOCARPOTARSAL SYNDROME; Spondylocarpotarsal Synostosis Syndrome (FLNB-SCT); VERTEBRAL FUSION WITH CARPAL COALITION; Synspondylism congenital; Scoliosis, congenital with unilateral unsegmented bar. Identifiers: Orphanet 3275, MedGen C1848934, MONDO:0010094, OMIM 272460.

Submission:

HUSP Clinical Genetics Laboratory, Hospital Universitario San Pedro De Logroño (HUSP)
Classification: Likely pathogenic for Spondylocarpotarsal synostosis syndrome. Review status: criteria provided, single submitter. Criteria: ACMG Guidelines, 2015. Collection method: clinical testing. Allele origin: biparental. Inheritance: Autosomal recessive inheritance. Affected: yes. Observed: 1 variant allele.
Comment: The c.2772del variant in the FLNB (NM_001164317.2) gene is a deletion of ona nucleotide that results in a premature stop codon (p.Tyr924Ter). This variant has not been reported previously in the literature and it is not detected in general population. Pathogenic variants in the FLNB gene have been associated with the following phenotype: Spondylocarpotarsal synostosis syndrome (OMIM 272460), with autosomal recessive inheritance.